The following is an entry in ClinVar:

NM_001035.3(RYR2):c.7411T>C (p.Phe2471Leu)

Gene: RYR2 (ryanodine receptor 2; plus strand). Cytogenetic location: 1q43.
Variant type: single nucleotide variant.
Coding change: c.7411T>C on transcript NM_001035.3 (MANE Select); coding-DNA position 7411, T replaced by C.
Protein change: p.Phe2471Leu; replaces phenylalanine 2471 with leucine.
Molecular consequence: missense variant.
Genome position (GRCh38, 1-based): chr1:237,648,512, T>C. VCF-style: chr1-237648512-T-C. GRCh37 (hg19) VCF-style: chr1-237811812-T-C.
Other names: short protein forms F2471L.
Identifiers: ClinVar variation 1519573 (VCV001519573.8), dbSNP rs2148789721, ClinGen allele CA345398244.
Genomic context (GRCh38, chr1:237,648,512, plus strand): 5'-GTGGTGGAACCTGACATGTCTGCGGGGTTTTGCCCAGATCACAAGGCAGCCATGGTTTTA[T>C]TCCTTGACAGGGTCTATGGGATTGAGGTTCAAGACTTCCTCCTCCATCTTCTTGAGGTTG-3'
Protein context (NP_001026.2, residues 2461-2481): CPDHKAAMVL[Phe2471Leu]LDRVYGIEVQ

ClinVar aggregate classification (germline): Uncertain significance. Review status: criteria provided, multiple submitters, no conflicts (2 of 4 stars). 2 submissions from 2 submitters: Uncertain significance (2). Last evaluated 2023-11-20.

Conditions:
Catecholaminergic polymorphic ventricular tachycardia (CVPT). Also called: Catecholamine-induced polymorphic ventricular tachycardia. Identifiers: Orphanet 3286, MedGen C5574922, MONDO:0017990.
Catecholaminergic polymorphic ventricular tachycardia 1. Also called: VENTRICULAR TACHYCARDIA, STRESS-INDUCED POLYMORPHIC 1; VENTRICULAR TACHYCARDIA, CATECHOLAMINERGIC POLYMORPHIC, 1, WITH OR WITHOUT ATRIAL DYSFUNCTION AND/OR DILATED CARDIOMYOPATHY; RYR2-Related Catecholaminergic Polymorphic Ventricular Tachycardia. Identifiers: Orphanet 3286, MedGen C1631597, MONDO:0011484, OMIM 604772.

gnomAD v4.1: 2 of 1,611,388 alleles (0.00012%); highest among the groups gnomAD compares: Non-Finnish European, 0.00017%; no homozygotes.

Submissions (2):

All of Us Research Program, National Institutes of Health
Classification: Uncertain significance for Catecholaminergic polymorphic ventricular tachycardia. Last evaluated: 2023-11-20. Review status: criteria provided, single submitter. Criteria: ACMG Guidelines, 2015. Collection method: clinical testing. Allele origin: germline. Inheritance: Autosomal dominant inheritance. Observed: 1 variant allele, 1 heterozygote.
Comment: This missense variant replaces phenylalanine with leucine at codon 2471 of the RYR2 protein. Computational prediction suggests that this variant may have deleterious impact on protein structure and function (internally defined REVEL score threshold >= 0.7, PMID: 27666373). To our knowledge, functional studies have not been reported for this variant. This variant has not been reported in individuals affected with RYR2-related disorders in the literature. This variant has not been identified in the general population by the Genome Aggregation Database (gnomAD). The available evidence is insufficient to determine the role of this variant in disease conclusively. Therefore, this variant is classified as a Variant of Uncertain Significance.

This study involves interpretation of variants in research participants for the purpose of population health screening. Participant phenotype was not available at the time of variant classification. Additional details can be found in publication PMID: 35346344, PMCID: PMC8962531

Labcorp Genetics (formerly Invitae), Labcorp
Classification: Uncertain significance for Catecholaminergic polymorphic ventricular tachycardia 1. Last evaluated: 2021-09-16. Review status: criteria provided, single submitter. Criteria: Invitae Variant Classification Sherloc (09022015). Collection method: clinical testing. Allele origin: germline.
Comment: This variant is not present in population databases (ExAC no frequency). This sequence change replaces phenylalanine with leucine at codon 2471 of the RYR2 protein (p.Phe2471Leu). The phenylalanine residue is highly conserved and there is a small physicochemical difference between phenylalanine and leucine. This variant has not been reported in the literature in individuals affected with RYR2-related conditions. In summary, the available evidence is currently insufficient to determine the role of this variant in disease. Therefore, it has been classified as a Variant of Uncertain Significance. Advanced modeling of protein sequence and biophysical properties (such as structural, functional, and spatial information, amino acid conservation, physicochemical variation, residue mobility, and thermodynamic stability) performed at Invitae indicates that this missense variant is expected to disrupt RYR2 protein function.